The following is an entry in ClinVar:

NC_000021.8:g.(?_38868400)_(38884854_?)del

Gene: DYRK1A (dual specificity tyrosine phosphorylation regulated kinase 1A; plus strand). Cytogenetic location: 21q22.13.
Variant type: Deletion.
Identifiers: ClinVar variation 472239 (VCV000472239.8).

ClinVar aggregate classification (germline): Likely pathogenic (1 of 4 stars; one submission).

Conditions:
DYRK1A-related intellectual disability syndrome (MRD7). Also called: Intellectual developmental disorder, autosomal dominant 7; DYRK1A Syndrome. Identifiers: Orphanet 464306, MedGen C5568143, MONDO:0013578, OMIM 614104.

Submission:

Labcorp Genetics (formerly Invitae), Labcorp
Classification: Likely pathogenic for DYRK1A-related intellectual disability syndrome. Last evaluated: 2022-12-06. Review status: criteria provided, single submitter. Criteria: Invitae Variant Classification Sherloc (09022015). Collection method: clinical testing. Allele origin: germline.
Comment: In summary, the currently available evidence indicates that the variant is pathogenic, but additional data are needed to prove that conclusively. Therefore, this variant has been classified as Likely Pathogenic. This variant disrupts the p.Arg421 amino acid residue in DYRK1A. Other variant(s) that disrupt this residue have been determined to be pathogenic (Invitae). This suggests that this residue is clinically significant, and that variants that disrupt this residue are likely to be disease-causing. This variant has not been reported in the literature in individuals affected with DYRK1A-related conditions. This variant is a gross deletion of the genomic region encompassing exon(s) 8-11 of the DYRK1A gene, which includes the termination codon. This deletion extends beyond the assayed region for this gene and therefore may encompass additional genes. While this deletion is not anticipated to lead to nonsense mediated decay, it is expected to alter mRNA translation or result in a truncated protein product.